The following is an entry in ClinVar:

NM_001849.4(COL6A2):c.2796G>A (p.Pro932=)

Gene: COL6A2 (collagen type VI alpha 2 chain; plus strand). Cytogenetic location: 21q22.3.
Variant type: single nucleotide variant.
Coding change: c.2796G>A on transcript NM_001849.4 (MANE Select); coding-DNA position 2796, G replaced by A.
Protein change: p.Pro932=; no amino-acid change (proline 932 retained).
Molecular consequence: synonymous variant.
Genome position (GRCh38, 1-based): chr21:46,132,288, G>A. VCF-style: chr21-46132288-G-A. GRCh37 (hg19) VCF-style: chr21-47552202-G-A.
Identifiers: ClinVar variation 196115 (VCV000196115.39), dbSNP rs373274913, ClinGen allele CA242940.

ClinVar aggregate classification (germline): Benign/Likely benign. Review status: criteria provided, multiple submitters, no conflicts (2 of 4 stars). 5 submissions from 5 submitters: Benign (2); Likely benign (3). Last evaluated 2025-12-29.

Conditions:
Bethlem myopathy 1A. Also called: MYOPATHY, BENIGN CONGENITAL, WITH CONTRACTURES; Bethlem myopathy 1; Bethlem Muscular Dystrophy. Identifiers: Orphanet 610, MedGen CN029274, MONDO:0024530, OMIM 158810.

Allele frequency attached by ClinVar (database versions not stated): ESP Exome Variant Server 0.00023; TOPMed 0.00023; gnomAD 0.00078 and 0.00086; ExAC 0.00114.
gnomAD v4.1: 759 of 1,606,306 alleles (0.047%); highest among the groups gnomAD compares: Non-Finnish European, 0.025%; 4 homozygotes.

Submissions (5):

Labcorp Genetics (formerly Invitae), Labcorp
Classification: Benign for Bethlem myopathy 1A. Last evaluated: 2025-12-29. Review status: criteria provided, single submitter. Criteria: Invitae Variant Classification Sherloc (09022015). Collection method: clinical testing. Allele origin: germline.

CeGaT Center for Human Genetics Tuebingen
Classification: Likely benign. Last evaluated: 2025-08-01. Review status: criteria provided, single submitter. Criteria: CeGaT Center For Human Genetics Tuebingen Variant Classification Criteria Version 2. Collection method: clinical testing. Allele origin: germline. Affected: yes. Observed: 2 variant alleles.
Comment: COL6A2: BP4, BP7

Blueprint Genetics
Classification: Likely benign. Last evaluated: 2024-09-24. Review status: criteria provided, single submitter. Criteria: ACMG Guidelines, 2015. Collection method: clinical testing. Allele origin: germline.

GeneDx
Classification: Likely benign. Last evaluated: 2018-05-16. Review status: criteria provided, single submitter. Criteria: GeneDx Variant Classification (06012015). Collection method: clinical testing. Allele origin: germline. Affected: yes.
Comment: This variant is considered likely benign or benign based on one or more of the following criteria: it is a conservative change, it occurs at a poorly conserved position in the protein, it is predicted to be benign by multiple in silico algorithms, and/or has population frequency not consistent with disease.

Eurofins Ntd Llc (ga)
Classification: Benign. Last evaluated: 2016-07-08. Review status: criteria provided, single submitter. Criteria: EGL Classification Definitions 2015. Collection method: clinical testing. Allele origin: germline. Observed: 4 variant alleles, 4 heterozygotes.